The following is an entry in ClinVar:

ClinVar aggregate classification (germline): Uncertain significance. Review status: criteria provided, multiple submitters, no conflicts (2 of 4 stars). 2 submissions from 2 submitters: Uncertain significance (2). Last evaluated 2024-10-30.

Conditions:
Diamond-Blackfan anemia. Also called: Blackfan Diamond syndrome; Aregenerative anemia chronic congenital; Red cell aplasia, pure hereditary; Congenital hypoplastic anemia; Aase syndrome. Identifiers: Orphanet 124, MedGen C1260899, MeSH D029503, MONDO:0015253, HP:0004810.
Diamond-Blackfan anemia 9 (DBA9). Also called: RPS10-Related Diamond-Blackfan Anemia. Identifiers: Orphanet 124, MedGen C2750081, MONDO:0013216, OMIM 613308.

Allele frequency attached by ClinVar (database versions not stated): gnomAD exomes below 0.00001; 1000 Genomes Project 30x 0.00016.
gnomAD v4.1: 1 of 1,614,100 alleles (0.000062%); highest among the groups gnomAD compares: East Asian, 0.0022%; no homozygotes.

Submissions (2):

Labcorp Genetics (formerly Invitae), Labcorp
Classification: Uncertain significance for Diamond-Blackfan anemia. Last evaluated: 2024-10-30. Review status: criteria provided, single submitter. Criteria: Invitae Variant Classification Sherloc (09022015). Collection method: clinical testing. Allele origin: germline.
Comment: This sequence change falls in intron 3 of the RPS10 gene. It does not directly change the encoded amino acid sequence of the RPS10 protein. It affects a nucleotide within the consensus splice site. This variant is present in population databases (rs556255412, gnomAD 0.006%). This variant has not been reported in the literature in individuals affected with RPS10-related conditions. ClinVar contains an entry for this variant (Variation ID: 1521087). Variants that disrupt the consensus splice site are a relatively common cause of aberrant splicing (PMID: 17576681, 9536098). Algorithms developed to predict the effect of sequence changes on RNA splicing suggest that this variant is not likely to affect RNA splicing. In summary, the available evidence is currently insufficient to determine the role of this variant in disease. Therefore, it has been classified as a Variant of Uncertain Significance.

Fulgent Genetics
Classification: Uncertain significance for Diamond-Blackfan anemia 9. Last evaluated: 2024-06-20. Review status: criteria provided, single submitter. Criteria: ACMG Guidelines, 2015. Collection method: clinical testing. Allele origin: germline.

Literature cited by the submitters: PubMed 17576681 (cited by Labcorp Genetics (formerly Invitae), Labcorp); PubMed 9536098 (cited by Labcorp Genetics (formerly Invitae), Labcorp).

NM_001014.5(RPS10):c.322+3A>G

Genes: RPS10 (ribosomal protein S10; minus strand), RPS10-NUDT3 (RPS10-NUDT3 readthrough; minus strand). Cytogenetic location: 6p21.31.
Variant type: single nucleotide variant.
Coding change: c.322+3A>G on transcript NM_001014.5 (MANE Select); 3 bases into the intron after coding-DNA position 322, A replaced by G.
Molecular consequence: intron variant.
Genome position (GRCh38, 1-based): chr6:34,424,666, T>C on the plus strand (A>G on the coding strand, the complement: RPS10 is on the minus strand). VCF-style: chr6-34424666-T-C. GRCh37 (hg19) VCF-style: chr6-34392443-T-C.
Other names: c.322+3A>G (NM_001202470.3, NM_001204091.2, NM_001203245.3).
Identifiers: ClinVar variation 1521087 (VCV001521087.7), dbSNP rs556255412, ClinGen allele CA137091158.